The following is an entry in ClinVar:

NM_000053.4(ATP7B):c.1554C>T (p.Ser518=)

Gene: ATP7B (ATPase copper transporting beta; minus strand). Cytogenetic location: 13q14.3.
Variant type: single nucleotide variant.
Coding change: c.1554C>T on transcript NM_000053.4 (MANE Select); coding-DNA position 1554, C replaced by T.
Protein change: p.Ser518=; no amino-acid change (serine 518 retained).
Molecular consequence: synonymous variant.
Genome position (GRCh38, 1-based): chr13:51,968,597, G>A on the plus strand (C>T on the coding strand, the complement: ATP7B is on the minus strand). VCF-style: chr13-51968597-G-A. GRCh37 (hg19) VCF-style: chr13-52542733-G-A.
Other names: p.Ser518=; c.1554C>T (NM_000053.3); c.1554C>T, p.Ser518= (NM_001005918.3, NM_001330578.2, NM_001330579.2); c.1221C>T, p.Ser407= (NM_001243182.2).
Identifiers: ClinVar variation 991748 (VCV000991748.14), dbSNP rs551051945, ClinGen allele CA6989303.

ClinVar aggregate classification (germline): Conflicting classifications of pathogenicity. Review status: criteria provided, conflicting classifications (1 of 4 stars). 5 submissions from 5 submitters: Uncertain significance (3); Likely benign (1). 1 of the submissions does not count toward it. Last evaluated 2025-10-14.

Conditions:
Wilson disease (WND). Also called: Wilson's disease. Identifiers: Orphanet 905, MedGen C0019202, MONDO:0010200, OMIM 277900. Disease mechanism: loss of function.

Allele frequency attached by ClinVar (database versions not stated): gnomAD exomes 0.00002 and 0.00006; gnomAD 0.00003; TOPMed 0.00007; ExAC 0.00008.
gnomAD v4.1: 35 of 1,613,962 alleles (0.0022%); highest among the groups gnomAD compares: Admixed American, 0.0083%; no homozygotes.

Submissions (5):

Labcorp Genetics (formerly Invitae), Labcorp
Classification: Likely benign for Wilson disease. Last evaluated: 2025-10-14. Review status: criteria provided, single submitter. Criteria: Invitae Variant Classification Sherloc (09022015). Collection method: clinical testing. Allele origin: germline.

All of Us Research Program, National Institutes of Health
Classification: Uncertain significance for Wilson disease. Last evaluated: 2024-01-03. Review status: criteria provided, single submitter. Criteria: ACMG Guidelines, 2015. Collection method: clinical testing. Allele origin: germline. Inheritance: Autosomal recessive inheritance. Observed: 5 variant alleles, 5 heterozygotes.
Comment: This synonymous variant in the ATP7B gene has been shown to disrupt RNA splicing in a minigene assay (PMID: 33719328). This variant has not been reported in individuals affected with ATP7B-related disorders in the literature. This variant has been identified in 17/280774 chromosomes in the general population by the Genome Aggregation Database (gnomAD). The available evidence is insufficient to determine the role of this variant in disease conclusively. Therefore, this variant is classified as a Variant of Uncertain Significance.

This study involves interpretation of variants in research participants for the purpose of population health screening. Participant phenotype was not available at the time of variant classification. Additional details can be found in publication PMID: 35346344, PMCID: PMC8962531

Color Diagnostics, LLC DBA Color Health
Classification: Uncertain significance for Wilson disease. Last evaluated: 2022-08-02. Review status: criteria provided, single submitter. Criteria: ACMG Guidelines, 2015. Collection method: clinical testing. Allele origin: germline.
Comment: This synonymous variant in the ATP7B gene has been shown to disrupt RNA splicing in a minigene assay (PMID: 33719328). This variant has not been reported in individuals affected with ATP7B-related disorders in the literature. This variant has been identified in 17/280774 chromosomes in the general population by the Genome Aggregation Database (gnomAD). The available evidence is insufficient to determine the role of this variant in disease conclusively. Therefore, this variant is classified as a Variant of Uncertain Significance.

Mayo Clinic Laboratories, Mayo Clinic
Classification: Uncertain significance. Last evaluated: 2021-05-11. Review status: criteria provided, single submitter. Criteria: ACMG Guidelines, 2015. Collection method: clinical testing. Allele origin: germline.

Natera, Inc.
Classification: Uncertain significance for Wilson disease. Last evaluated: 2020-04-15. Review status: no assertion criteria provided. Collection method: clinical testing. Allele origin: germline. Not counted in ClinVar's aggregate classification.

Literature cited by the submitters: PubMed 33719328 (cited by All of Us Research Program, National Institutes of Health and Color Diagnostics, LLC DBA Color Health).